The following is an entry in ClinVar:

NM_000789.4(ACE):c.503T>C (p.Leu168Pro)

Gene: ACE (angiotensin I converting enzyme; plus strand). Cytogenetic location: 17q23.3.
Variant type: single nucleotide variant.
Coding change: c.503T>C on transcript NM_000789.4 (MANE Select); coding-DNA position 503, T replaced by C.
Protein change: p.Leu168Pro; replaces leucine 168 with proline.
Molecular consequence: missense variant.
Genome position (GRCh38, 1-based): chr17:63,479,092, T>C. VCF-style: chr17-63479092-T-C. GRCh37 (hg19) VCF-style: chr17-61556453-T-C.
Other names: short protein forms L168P.
Identifiers: ClinVar variation 888749 (VCV000888749.13), dbSNP rs139076951, ClinGen allele CA8699091.

ClinVar aggregate classification (germline): Uncertain significance. Review status: criteria provided, multiple submitters, no conflicts (2 of 4 stars). 5 submissions from 5 submitters: Uncertain significance (4). 1 of the submissions does not count toward it. Last evaluated 2024-04-18.

Conditions:
Hemorrhage, intracerebral, susceptibility to (ICH). Also called: Stroke, hemorrhagic, susceptibility to. Identifiers: MedGen C3281105, MONDO:0100533, OMIM 614519.
Microvascular complications of diabetes, susceptibility to, 3. Identifiers: MedGen C2675470, MONDO:0012963, OMIM 612624.
Renal tubular dysgenesis of genetic origin. Also called: PRIMITIVE RENAL TUBULE SYNDROME. Identifiers: Orphanet 97369, MedGen C5681536, MONDO:0009970, OMIM 267430.
ACE-related disorder. Also called: ACE-related condition; ACE-related disorders.
Renal tubular dysgenesis. Also called: Renotubular dysgenesis. Identifiers: Orphanet 3033, MedGen C0266313, MONDO:0017609, HP:0008660.

Allele frequency attached by ClinVar (database versions not stated): gnomAD exomes 0.00041 and 0.00032; ESP Exome Variant Server 0.00054; TOPMed 0.00088; ExAC 0.00031; gnomAD 0.00057 and 0.00060.

Submissions (5):

Fulgent Genetics
Classification: Uncertain significance for Renal tubular dysgenesis of genetic origin; Microvascular complications of diabetes, susceptibility to, 3; Hemorrhage, intracerebral, susceptibility to. Last evaluated: 2024-04-18. Review status: criteria provided, single submitter. Criteria: ACMG Guidelines, 2015. Collection method: clinical testing. Allele origin: germline.

Labcorp Genetics (formerly Invitae), Labcorp
Classification: Uncertain significance. Last evaluated: 2022-08-23. Review status: criteria provided, single submitter. Criteria: Invitae Variant Classification Sherloc (09022015). Collection method: clinical testing. Allele origin: germline.
Comment: This sequence change replaces leucine, which is neutral and non-polar, with proline, which is neutral and non-polar, at codon 168 of the ACE protein (p.Leu168Pro). This variant is present in population databases (rs139076951, gnomAD 0.05%). This variant has not been reported in the literature in individuals affected with ACE-related conditions. ClinVar contains an entry for this variant (Variation ID: 888749). Algorithms developed to predict the effect of missense changes on protein structure and function (SIFT, PolyPhen-2, Align-GVGD) all suggest that this variant is likely to be disruptive. In summary, the available evidence is currently insufficient to determine the role of this variant in disease. Therefore, it has been classified as a Variant of Uncertain Significance.

Baylor Genetics
Classification: Uncertain significance for Renal tubular dysgenesis of genetic origin. Last evaluated: 2020-09-10. Review status: criteria provided, single submitter. Criteria: ACMG Guidelines, 2015. Collection method: clinical testing. Allele origin: unknown. Affected: yes.
Comment: This variant was determined to be of uncertain significance according to ACMG Guidelines, 2015 [PMID:25741868].

Illumina Laboratory Services, Illumina
Classification: Uncertain significance for Renal tubular dysgenesis of genetic origin. Last evaluated: 2018-01-12. Review status: criteria provided, single submitter. Criteria: ICSL Variant Classification Criteria 13 December 2019. Collection method: clinical testing. Allele origin: germline.

PreventionGenetics, part of Exact Sciences
Classification: Uncertain significance for ACE-related condition. Last evaluated: 2024-01-30. Review status: no assertion criteria provided. Collection method: clinical testing. Allele origin: germline. Not counted in ClinVar's aggregate classification.
Comment: The ACE c.503T>C variant is predicted to result in the amino acid substitution p.Leu168Pro. To our knowledge, this variant has not been reported in the literature. This variant is reported in 0.053% of alleles in individuals of European (Non-Finnish) descent in gnomAD. Although we suspect that this variant may be benign, at this time, the clinical significance of this variant is uncertain due to the absence of conclusive functional and genetic evidence.